The following is an entry in ClinVar:

ClinVar aggregate classification (germline): Likely pathogenic (1 of 4 stars; one submission).

Conditions:
F2-related disorder. Also called: F2-related condition; F2-related disorders.

Submission:

PreventionGenetics, part of Exact Sciences
Classification: Likely pathogenic for F2-related condition. Last evaluated: 2023-07-11. Review status: criteria provided, single submitter. Criteria: ACMG Guidelines, 2015. Collection method: clinical testing. Allele origin: germline.
Comment: The F2 c.454_457delCTAC variant is predicted to result in a frameshift and premature protein termination (p.Leu152Argfs*24). To our knowledge, this variant has not been reported in the literature or in a large population database, indicating this variant is rare. Frameshift variants in F2 are expected to be pathogenic. This variant is interpreted as likely pathogenic.

NM_000506.5(F2):c.454_457del (p.Leu152fs)

Gene: F2 (coagulation factor II, thrombin; plus strand). Cytogenetic location: 11p11.2.
Variant type: Deletion.
Coding change: c.454_457del on transcript NM_000506.5 (MANE Select); coding-DNA positions 454 to 457, 4 bases deleted (CTAC; older notation c.454_457delCTAC).
Protein change: p.Leu152fs; shifts the reading frame from leucine 152.
Molecular consequence: frameshift variant.
Genome position (GRCh38, 1-based): chr11:46,723,413-46,723,416, CTAC deleted; deleting any 4 consecutive bases within chr11:46,723,411-46,723,416 gives the same sequence; the c. name uses the placement nearest the transcript's 3' end. VCF-style (leftmost placement, unchanged base first): chr11-46723410-GACCT-G. GRCh37 (hg19) VCF-style: chr11-46744960-GACCT-G.
Other names: short protein forms L152fs.
Identifiers: ClinVar variation 2631315 (VCV002631315.1), dbSNP rs2502824222, ClinGen allele CA2695201130.